The following is an entry in ClinVar:

NM_002047.4(GARS1):c.1253C>T (p.Thr418Met)

Gene: GARS1 (glycyl-tRNA synthetase 1; plus strand). Cytogenetic location: 7p14.3.
Variant type: single nucleotide variant.
Coding change: c.1253C>T on transcript NM_002047.4 (MANE Select); coding-DNA position 1253, C replaced by T.
Protein change: p.Thr418Met; replaces threonine 418 with methionine.
Molecular consequence: missense variant.
Genome position (GRCh38, 1-based): chr7:30,617,172, C>T. VCF-style: chr7-30617172-C-T. GRCh37 (hg19) VCF-style: chr7-30656788-C-T.
Other names: c.1091C>T, p.Thr364Met (NM_001316772.1); c.1253C>T (NM_002047.3); short protein forms T364M, T418M.
Identifiers: ClinVar variation 908914 (VCV000908914.14), dbSNP rs746139865, ClinGen allele CA4205939.

ClinVar aggregate classification (germline): Conflicting classifications of pathogenicity. Review status: criteria provided, conflicting classifications (1 of 4 stars). 6 submissions from 4 submitters: Uncertain significance (3); Likely benign (3). Last evaluated 2026-09-15.

Conditions:
Charcot-Marie-Tooth disease type 2D (CMT2D). Also called: Charcot-Marie-Tooth Neuropathy Type 2D; CHARCOT-MARIE-TOOTH DISEASE, AXONAL, TYPE 2D; GARS1 Adolescent- or Early Adult-Onset Hereditary Motor/Sensory Neuropathy (GARS1-HMSN); CHARCOT-MARIE-TOOTH DISEASE, NEURONAL, TYPE 2D. Identifiers: Orphanet 99938, MedGen C1832274, MONDO:0011091, OMIM 601472.
Neuronopathy, distal hereditary motor, type 5A (HMND5). Also called: NEURONOPATHY, DISTAL HEREDITARY MOTOR, AUTOSOMAL DOMINANT 5; DHMN VA; Distal Spinal Muscular Atrophy V (dSMA-V); Distal Spinal Muscular Atrophy V. Identifiers: Orphanet 139536, MedGen CN031873, MONDO:0015353, OMIM 600794.
GARS1-related disorder. Also called: GARS1-related condition.
Charcot-Marie-Tooth disease type 2. Also called: Charcot-Marie-Tooth type 2. Identifiers: Orphanet 64746, MedGen C0270914, MONDO:0018993.
Distal spinal muscular atrophy. Also called: Distal hereditary motor neuropathy; Distal hereditary motor neuronopathy. Identifiers: Orphanet 53739, MedGen C0393541, MONDO:0018894.

Allele frequency attached by ClinVar (database versions not stated): gnomAD 0.00001; gnomAD exomes 0.00001; ExAC 0.00002; TOPMed 0.00002.
gnomAD v4.1: 15 of 1,613,912 alleles (0.00093%); highest among the groups gnomAD compares: Non-Finnish European, 0.0011%; no homozygotes.

Submissions (6):

PreventionGenetics, part of Exact Sciences
Classification: Uncertain significance for GARS1-related condition. Last evaluated: 2026-09-15. Review status: criteria provided, single submitter. Criteria: ACMG Guidelines, 2015. Collection method: clinical testing. Allele origin: germline.
Comment: The GARS1 c.1253C>T variant is predicted to result in the amino acid substitution p.Thr418Met. This variant has been reported in an individual with Charcot-Marie-Tooth disease (Table S2, Volodarsky et al. 2021. PubMed ID: 32376792). This variant is reported in 0.0099% of alleles in individuals of Ashkenazi Jewish descent in gnomAD. At this time, the clinical significance of this variant is uncertain due to the absence of conclusive functional and genetic evidence.

Labcorp Genetics (formerly Invitae), Labcorp
Classification: Uncertain significance for Charcot-Marie-Tooth disease type 2. Last evaluated: 2023-08-20. Review status: criteria provided, single submitter. Criteria: Invitae Variant Classification Sherloc (09022015). Collection method: clinical testing. Allele origin: germline.
Comment: This sequence change replaces threonine, which is neutral and polar, with methionine, which is neutral and non-polar, at codon 418 of the GARS protein (p.Thr418Met). This variant is present in population databases (rs746139865, gnomAD 0.01%). This missense change has been observed in individual(s) with clinical features of GARS-related conditions (PMID: 32376792). ClinVar contains an entry for this variant (Variation ID: 908914). Advanced modeling of protein sequence and biophysical properties (such as structural, functional, and spatial information, amino acid conservation, physicochemical variation, residue mobility, and thermodynamic stability) performed at Invitae indicates that this missense variant is not expected to disrupt GARS protein function. In summary, the available evidence is currently insufficient to determine the role of this variant in disease. Therefore, it has been classified as a Variant of Uncertain Significance.

Blueprint Genetics
Classification: Likely benign. Last evaluated: 2022-09-08. Review status: criteria provided, single submitter. Criteria: ACMG Guidelines, 2015. Collection method: clinical testing. Allele origin: germline.

Illumina Laboratory Services, Illumina
Classification: Uncertain significance for Charcot-Marie-Tooth disease type 2D. Last evaluated: 2018-01-12. Review status: criteria provided, single submitter. Criteria: ICSL Variant Classification Criteria 13 December 2019. Collection method: clinical testing. Allele origin: germline.

Illumina Laboratory Services, Illumina
Classification: Likely benign for Distal hereditary motor neuronopathy type 5. Last evaluated: 2018-01-12. Review status: criteria provided, single submitter. Criteria: ICSL Variant Classification Criteria 13 December 2019. Collection method: clinical testing. Allele origin: germline.
Comment: This variant was observed in the ICSL laboratory as part of a predisposition screen in an ostensibly healthy population. It had not been previously curated by ICSL or reported in the Human Gene Mutation Database (HGMD: prior to June 1st, 2018), and was therefore a candidate for classification through an automated scoring system. Utilizing variant allele frequency, disease prevalence and penetrance estimates, and inheritance mode, an automated score was calculated to assess if this variant is too frequent to cause the disease. Based on the score and internal cut-off values, a variant classified as likely benign is not then subjected to further curation. The score for this variant resulted in a classification of likely benign for this disease.

Illumina Laboratory Services, Illumina
Classification: Likely benign for Distal Spinal Muscular Atrophy. Last evaluated: 2018-01-12. Review status: criteria provided, single submitter. Criteria: ICSL Variant Classification Criteria 13 December 2019. Collection method: clinical testing. Allele origin: germline.
Comment: the same text as in the submission from Illumina Laboratory Services, Illumina above.

Literature cited by the submitters: PubMed 32376792 (cited by Labcorp Genetics (formerly Invitae), Labcorp).